The following is an entry in ClinVar:

NM_000245.4(MET):c.2787G>A (p.Gln929=)

Gene: MET (MET proto-oncogene, receptor tyrosine kinase; plus strand). Cytogenetic location: 7q31.2.
Variant type: single nucleotide variant.
Coding change: c.2787G>A on transcript NM_000245.4 (MANE Select); coding-DNA position 2787, G replaced by A.
Protein change: p.Gln929=; no amino-acid change (glutamine 929 retained).
Molecular consequence: synonymous variant.
Genome position (GRCh38, 1-based): chr7:116,771,554, G>A. VCF-style: chr7-116771554-G-A. GRCh37 (hg19) VCF-style: chr7-116411608-G-A.
Other names: c.2841G>A, p.Gln947= (NM_001127500.3); c.1497G>A, p.Gln499= (NM_001324402.2).
Identifiers: ClinVar variation 3773152 (VCV003773152.2).

ClinVar aggregate classification (germline): Benign/Likely benign. Review status: criteria provided, multiple submitters, no conflicts (2 of 4 stars). 2 submissions from 2 submitters: Benign (1); Likely benign (1). Last evaluated 2025-10-07.

Conditions:
Hereditary cancer-predisposing syndrome. Also called: Neoplastic Syndromes, Hereditary; Tumor predisposition; Hereditary Cancer Syndrome; Hereditary neoplastic syndrome. Identifiers: Orphanet 140162, MedGen C0027672, MeSH D009386, MONDO:0015356.
Papillary renal cell carcinoma type 1 (RCCP1). Also called: Renal adenocarcinoma; Renal cell carcinoma 1; Renal cell carcinoma, somatic; RENAL CELL CARCINOMA, PAPILLARY, 1, SOMATIC. Identifiers: Orphanet 47044, MedGen C1336839, OMIM 605074, HP:0011797.

gnomAD v4.1: 1 of 1,613,942 alleles (0.000062%); highest among the groups gnomAD compares: Non-Finnish European, 0.000085%; no homozygotes.

Submissions (2):

Ambry Genetics
Classification: Likely benign for Hereditary cancer-predisposing syndrome. Last evaluated: 2025-10-07. Review status: criteria provided, single submitter. Criteria: Ambry Variant Classification Scheme 2023. Collection method: clinical testing. Allele origin: germline.

Myriad Genetics, Inc.
Classification: Benign for Papillary renal cell carcinoma type 1. Last evaluated: 2024-11-12. Review status: criteria provided, single submitter. Criteria: Myriad Autosomal Dominant, Autosomal Recessive and X-Linked Classification Criteria (2023). Collection method: clinical testing. Allele origin: unknown.
Comment: This variant is considered benign. This variant is a silent/synonymous amino acid change and it is not expected to impact splicing.